The following is an entry in ClinVar:

ClinVar aggregate classification (germline): Uncertain significance. Review status: criteria provided, multiple submitters, no conflicts (2 of 4 stars). 3 submissions from 3 submitters: Uncertain significance (3). Last evaluated 2024-12-15.

Conditions:
Inborn genetic diseases. Identifiers: MedGen C0950123, MeSH D030342.
Developmental and epileptic encephalopathy, 51 (DEE51). Also called: Epileptic encephalopathy, early infantile, 51. Identifiers: MedGen C4479208, MONDO:0015025, OMIM 617339.

Allele frequency attached by ClinVar (database versions not stated): gnomAD exomes 0.00004 and 0.00008; TOPMed 0.00004; gnomAD 0.00005 and 0.00006; ESP Exome Variant Server 0.00008; ExAC 0.00011; 1000 Genomes Project 30x 0.00016; 1000 Genomes Project 0.00020.
gnomAD v4.1: 72 of 1,613,650 alleles (0.0045%); highest among the groups gnomAD compares: South Asian, 0.021%; no homozygotes.

Submissions (3):

Labcorp Genetics (formerly Invitae), Labcorp
Classification: Uncertain significance. Last evaluated: 2024-12-15. Review status: criteria provided, single submitter. Criteria: Invitae Variant Classification Sherloc (09022015). Collection method: clinical testing. Allele origin: germline.
Comment: This sequence change replaces arginine, which is basic and polar, with glutamine, which is neutral and polar, at codon 229 of the MDH2 protein (p.Arg229Gln). This variant is present in population databases (rs373614243, gnomAD 0.02%). This variant has not been reported in the literature in individuals affected with MDH2-related conditions. ClinVar contains an entry for this variant (Variation ID: 983138). Invitae Evidence Modeling of protein sequence and biophysical properties (such as structural, functional, and spatial information, amino acid conservation, physicochemical variation, residue mobility, and thermodynamic stability) has been performed for this missense variant. However, the output from this modeling did not meet the statistical confidence thresholds required to predict the impact of this variant on MDH2 protein function. In summary, the available evidence is currently insufficient to determine the role of this variant in disease. Therefore, it has been classified as a Variant of Uncertain Significance.

Ambry Genetics
Classification: Uncertain significance for Inborn genetic diseases. Last evaluated: 2023-01-08. Review status: criteria provided, single submitter. Criteria: Ambry Variant Classification Scheme 2023. Collection method: clinical testing. Allele origin: germline.
Comment: The p.R229Q variant (also known as c.686G>A), located in coding exon 7 of the MDH2 gene, results from a G to A substitution at nucleotide position 686. The arginine at codon 229 is replaced by glutamine, an amino acid with highly similar properties. This amino acid position is conserved. In addition, this alteration is predicted to be deleterious by in silico analysis. Since supporting evidence is limited at this time, the clinical significance of this alteration remains unclear.

Institute of Human Genetics, University of Leipzig Medical Center
Classification: Uncertain significance for Developmental and epileptic encephalopathy, 51. Last evaluated: 2019-01-01. Review status: criteria provided, single submitter. Criteria: ACMG Guidelines, 2015. Collection method: clinical testing. Allele origin: unknown. Affected: yes.

NM_005918.4(MDH2):c.686G>A (p.Arg229Gln)

Gene: MDH2 (malate dehydrogenase 2; plus strand). Cytogenetic location: 7q11.23.
Variant type: single nucleotide variant.
Coding change: c.686G>A on transcript NM_005918.4 (MANE Select); coding-DNA position 686, G replaced by A.
Protein change: p.Arg229Gln; replaces arginine 229 with glutamine.
Molecular consequence: missense variant.
Genome position (GRCh38, 1-based): chr7:76,064,391, G>A. VCF-style: chr7-76064391-G-A. GRCh37 (hg19) VCF-style: chr7-75693709-G-A.
Other names: c.560G>A, p.Arg187Gln (NM_001282403.2); c.365G>A, p.Arg122Gln (NM_001282404.2); c.686G>A (NM_005918.2); short protein forms R122Q, R187Q, R229Q.
Identifiers: ClinVar variation 983138 (VCV000983138.6), dbSNP rs373614243, ClinGen allele CA4305654.